The following is an entry in ClinVar:

ClinVar aggregate classification (germline): Likely pathogenic (1 of 4 stars; one submission).

gnomAD v4.1: 2 of 1,553,016 alleles (0.00013%); highest among the groups gnomAD compares: African/African-American, 0.0014%; no homozygotes.

Submission:

Labcorp Genetics (formerly Invitae), Labcorp
Classification: Likely pathogenic. Last evaluated: 2022-09-13. Review status: criteria provided, single submitter. Criteria: Invitae Variant Classification Sherloc (09022015). Collection method: clinical testing. Allele origin: germline.
Comment: Algorithms developed to predict the effect of sequence changes on RNA splicing suggest that this variant may disrupt the consensus splice site. This sequence change affects a donor splice site in intron 1 of the MOCS2A gene. It is expected to disrupt RNA splicing. Variants that disrupt the donor or acceptor splice site typically lead to a loss of protein function (PMID: 16199547), and loss-of-function variants in MOCS2A are known to be pathogenic (PMID: 21031595). This variant is present in population databases (no rsID available, gnomAD 0.01%). This variant has not been reported in the literature in individuals affected with MOCS2A-related conditions. In summary, the currently available evidence indicates that the variant is pathogenic, but additional data are needed to prove that conclusively. Therefore, this variant has been classified as Likely Pathogenic.

Literature cited by the submitters: PubMed 16199547; PubMed 21031595.

NM_176806.4(MOCS2):c.18+1G>A

Genes: MOCS2 (molybdenum cofactor synthesis 2; minus strand), LOC129993881 (ATAC-STARR-seq lymphoblastoid silent region 16005; plus strand). Cytogenetic location: 5q11.2.
Variant type: single nucleotide variant.
Coding change: c.18+1G>A on transcript NM_176806.4 (MANE Plus Clinical); the canonical splice donor site of the intron after coding-DNA position 18, G replaced by A.
Molecular consequence: splice donor variant. On other transcripts: 5 prime UTR variant (1).
Genome position (GRCh38, 1-based): chr5:53,109,711, C>T on the plus strand (G>A on the coding strand, the complement: MOCS2 is on the minus strand). VCF-style: chr5-53109711-C-T. GRCh37 (hg19) VCF-style: chr5-52405541-C-T.
Other names: c.-630G>A (NM_004531.5).
Identifiers: ClinVar variation 2071662 (VCV002071662.4), dbSNP rs554491390, ClinGen allele CA359694247.